The following is an entry in ClinVar:

NM_017763.6(RNF43):c.90G>T (p.Leu30=)

Gene: RNF43 (ring finger protein 43; minus strand). Cytogenetic location: 17q22.
Variant type: single nucleotide variant.
Coding change: c.90G>T on transcript NM_017763.6 (MANE Select); coding-DNA position 90, G replaced by T.
Protein change: p.Leu30=; no amino-acid change (leucine 30 retained).
Molecular consequence: synonymous variant. On other transcripts: intron variant (1).
Genome position (GRCh38, 1-based): chr17:58,415,488, C>A on the plus strand (G>T on the coding strand, the complement: RNF43 is on the minus strand). VCF-style: chr17-58415488-C-A. GRCh37 (hg19) VCF-style: chr17-56492849-C-A.
Other names: c.90G>T, p.Leu30= (NM_001305544.3, NM_001438820.1, NM_001438821.1 and 1 more transcripts); c.-130+1529G>T (NM_001437987.1).
Identifiers: ClinVar variation 4875675 (VCV004875675.1).

ClinVar aggregate classification (germline): Benign (1 of 4 stars; one submission).

Conditions:
Sessile serrated polyposis cancer syndrome (SSPCS). Identifiers: Orphanet 157798, MedGen C4310714, MONDO:0014919, OMIM 617108.

gnomAD v4.1: 1 of 1,613,630 alleles (0.000062%); highest among the groups gnomAD compares: Non-Finnish European, 0.000085%; no homozygotes.

Submission:

Myriad Genetics, Inc.
Classification: Benign for Sessile serrated polyposis cancer syndrome. Last evaluated: 2026-06-29. Review status: criteria provided, single submitter. Criteria: Myriad Autosomal Dominant, Autosomal Recessive and X-Linked Classification Criteria (2023). Collection method: clinical testing. Allele origin: unknown.
Comment: This variant is considered benign. This variant is a silent/synonymous amino acid change and it is not expected to impact splicing.